The following is an entry in ClinVar:

NM_182493.3(MYLK3):c.244C>T (p.Pro82Ser)

Gene: MYLK3 (myosin light chain kinase 3; minus strand). Cytogenetic location: 16q11.2.
Variant type: single nucleotide variant.
Coding change: c.244C>T on transcript NM_182493.3 (MANE Select); coding-DNA position 244, C replaced by T.
Protein change: p.Pro82Ser; replaces proline 82 with serine.
Molecular consequence: missense variant. On other transcripts: intron variant (1).
Genome position (GRCh38, 1-based): chr16:46,747,950, G>A on the plus strand (C>T on the coding strand, the complement: MYLK3 is on the minus strand). VCF-style: chr16-46747950-G-A. GRCh37 (hg19) VCF-style: chr16-46781862-G-A.
Other names: c.-113-7803C>T (NM_001308301.1); short protein forms P82S.
Identifiers: ClinVar variation 2771198 (VCV002771198.3), dbSNP rs2548911466, ClinGen allele CA395798249.

ClinVar aggregate classification (germline): Uncertain significance (1 of 4 stars; one submission).

Submission:

Labcorp Genetics (formerly Invitae), Labcorp
Classification: Uncertain significance. Last evaluated: 2023-10-23. Review status: criteria provided, single submitter. Criteria: Invitae Variant Classification Sherloc (09022015). Collection method: clinical testing. Allele origin: germline.
Comment: This sequence change replaces proline, which is neutral and non-polar, with serine, which is neutral and polar, at codon 82 of the MYLK3 protein (p.Pro82Ser). This variant is not present in population databases (gnomAD no frequency). This variant has not been reported in the literature in individuals affected with MYLK3-related conditions. Algorithms developed to predict the effect of missense changes on protein structure and function output the following: SIFT: "Not Available"; PolyPhen-2: "Benign"; Align-GVGD: "Not Available". The serine amino acid residue is found in multiple mammalian species, which suggests that this missense change does not adversely affect protein function. In summary, the available evidence is currently insufficient to determine the role of this variant in disease. Therefore, it has been classified as a Variant of Uncertain Significance.